The following is an entry in ClinVar:

ClinVar aggregate classification (germline): Uncertain significance. Review status: criteria provided, multiple submitters, no conflicts (2 of 4 stars). 4 submissions from 4 submitters: Uncertain significance (4). Last evaluated 2026-01-16.

Conditions:
Brugada syndrome 8 (BRGDA8). Identifiers: Orphanet 130, MedGen C2751083, MONDO:0013148, OMIM 613123.
Epilepsy, idiopathic generalized, susceptibility to, 18. Identifiers: MedGen C5561983, MONDO:0030434, OMIM 619521.
Sick sinus syndrome 2, autosomal dominant (SSS2). Also called: SINUS BRADYCARDIA SYNDROME, FAMILIAL, AUTOSOMAL DOMINANT; SINUS NODE DISEASE, FAMILIAL, AUTOSOMAL DOMINANT; ATRIAL FIBRILLATION WITH BRADYARRHYTHMIA; SICK SINUS SYNDROME 2; SICK SINUS SYNDROME 2 WITH OR WITHOUT CARDIAC NONCOMPACTION AND/OR ASCENDING AORTA DILATION. Identifiers: Orphanet 166282, MedGen C1834144, MONDO:0008102, OMIM 163800.
Cardiovascular phenotype. Identifiers: MedGen CN230736.

Submissions (4):

Ambry Genetics
Classification: Uncertain significance for Cardiovascular phenotype. Last evaluated: 2026-01-16. Review status: criteria provided, single submitter. Criteria: Ambry Variant Classification Scheme 2023. Collection method: clinical testing. Allele origin: germline.
Comment: The p.I280T variant (also known as c.839T>C), located in coding exon 2 of the HCN4 gene, results from a T to C substitution at nucleotide position 839. The isoleucine at codon 280 is replaced by threonine, an amino acid with similar properties. This amino acid position is highly conserved in available vertebrate species. In addition, this alteration is predicted to be deleterious by in silico analysis. Based on the available evidence, the clinical significance of this variant remains unclear.

Labcorp Genetics (formerly Invitae), Labcorp
Classification: Uncertain significance for Brugada syndrome 8. Last evaluated: 2025-02-12. Review status: criteria provided, single submitter. Criteria: Invitae Variant Classification Sherloc (09022015). Collection method: clinical testing. Allele origin: germline.
Comment: This sequence change replaces isoleucine, which is neutral and non-polar, with threonine, which is neutral and polar, at codon 280 of the HCN4 protein (p.Ile280Thr). This variant is not present in population databases (gnomAD no frequency). This variant has not been reported in the literature in individuals affected with HCN4-related conditions. ClinVar contains an entry for this variant (Variation ID: 950840). Invitae Evidence Modeling of protein sequence and biophysical properties (such as structural, functional, and spatial information, amino acid conservation, physicochemical variation, residue mobility, and thermodynamic stability) indicates that this missense variant is expected to disrupt HCN4 protein function with a positive predictive value of 95%. In summary, the available evidence is currently insufficient to determine the role of this variant in disease. Therefore, it has been classified as a Variant of Uncertain Significance.

GeneDx
Classification: Uncertain significance. Last evaluated: 2023-10-21. Review status: criteria provided, single submitter. Criteria: GeneDx Variant Classification Process June 2021. Collection method: clinical testing. Allele origin: germline. Affected: yes.
Comment: Not observed at significant frequency in large population cohorts (gnomAD); In silico analysis supports that this missense variant has a deleterious effect on protein structure/function; Has not been previously published as pathogenic or benign to our knowledge

Juno Genomics, Hangzhou Juno Genomics, Inc
Classification: Uncertain significance for Epilepsy, idiopathic generalized, susceptibility to, 18; Brugada syndrome 8; Sick sinus syndrome 2, autosomal dominant. Review status: criteria provided, single submitter. Criteria: ACMG Guidelines, 2015. Collection method: clinical testing. Allele origin: germline.
Comment: Absent from controls (or at extremely low frequency if recessive) in Genome Aggregation Database.;Multiple lines of computational evidence support a deleterious effect on the gene or gene product.

NM_005477.3(HCN4):c.839T>C (p.Ile280Thr)

Genes: HCN4 (hyperpolarization activated cyclic nucleotide gated potassium channel 4; minus strand), LOC105370890 (uncharacterized LOC105370890; plus strand), LOC126862173 (CDK7 strongly-dependent group 2 enhancer GRCh37_chr15:73635762-73636961; plus strand). Cytogenetic location: 15q24.1.
Variant type: single nucleotide variant.
Coding change: c.839T>C on transcript NM_005477.3 (MANE Select); coding-DNA position 839, T replaced by C.
Protein change: p.Ile280Thr; replaces isoleucine 280 with threonine.
Molecular consequence: missense variant.
Genome position (GRCh38, 1-based): chr15:73,343,755, A>G on the plus strand (T>C on the coding strand, the complement: HCN4 is on the minus strand). VCF-style: chr15-73343755-A-G. GRCh37 (hg19) VCF-style: chr15-73636096-A-G.
Other names: short protein forms I280T.
Identifiers: ClinVar variation 950840 (VCV000950840.14), dbSNP rs2043018365, ClinGen allele CA393095435.